The following is an entry in ClinVar:

ClinVar aggregate classification (germline): Likely benign (1 of 4 stars; one submission).

Allele frequency attached by ClinVar (database versions not stated): 1000 Genomes Project 0.00020.

Submissions (2):

CeGaT Center for Human Genetics Tuebingen
Classification: Likely benign. Last evaluated: 2025-06-01. Review status: criteria provided, single submitter. Criteria: CeGaT Center For Human Genetics Tuebingen Variant Classification Criteria Version 2. Collection method: clinical testing. Allele origin: germline. Affected: yes. Observed: 2 variant alleles.
Comment: TROAP: BP4, BP7

Dr. Peter K. Rogan Lab, Western University
No classification provided (evidence only). Condition: Familial cancer of breast. Review status: no classification provided. Collection method: in vitro. Allele origin: not applicable. Functional consequence: retained intron. Not counted in ClinVar's aggregate classification.

NM_005480.4(TROAP):c.1629A>G (p.Glu543=)

Gene: TROAP (trophinin associated protein; plus strand). Cytogenetic location: 12q13.12.
Variant type: single nucleotide variant.
Coding change: c.1629A>G on transcript NM_005480.4 (MANE Select); coding-DNA position 1629, A replaced by G.
Protein change: p.Glu543=; no amino-acid change (glutamic acid 543 retained).
Molecular consequence: synonymous variant.
Genome position (GRCh38, 1-based): chr12:49,330,474, A>G. VCF-style: chr12-49330474-A-G. GRCh37 (hg19) VCF-style: chr12-49724257-A-G.
Other names: NC_000012.11:g.49724257A>G; c.1629A>G, p.Glu543= (NM_001410976.1).
Identifiers: ClinVar variation 2642970 (VCV002642970.25), dbSNP rs569298102, ClinGen allele CA236641844.